The following is an entry in ClinVar:

NM_006231.4(POLE):c.2561G>A (p.Gly854Glu)

Gene: POLE (DNA polymerase epsilon, catalytic subunit; minus strand). Cytogenetic location: 12q24.33.
Variant type: single nucleotide variant.
Coding change: c.2561G>A on transcript NM_006231.4 (MANE Select); coding-DNA position 2561, G replaced by A.
Protein change: p.Gly854Glu; replaces glycine 854 with glutamic acid.
Molecular consequence: missense variant.
Genome position (GRCh38, 1-based): chr12:132,664,370, C>T on the plus strand (G>A on the coding strand, the complement: POLE is on the minus strand). VCF-style: chr12-132664370-C-T. GRCh37 (hg19) VCF-style: chr12-133240956-C-T.
Other names: short protein forms G854E.
Identifiers: ClinVar variation 4721197 (VCV004721197.1).

ClinVar aggregate classification (germline): Uncertain significance (1 of 4 stars; one submission).

Submission:

Labcorp Genetics (formerly Invitae), Labcorp
Classification: Uncertain significance. Last evaluated: 2025-06-11. Review status: criteria provided, single submitter. Criteria: Invitae Variant Classification Sherloc (09022015). Collection method: clinical testing. Allele origin: germline.
Comment: This sequence change replaces glycine, which is neutral and non-polar, with glutamic acid, which is acidic and polar, at codon 854 of the POLE protein (p.Gly854Glu). This variant also falls at the last nucleotide of exon 22, which is part of the consensus splice site for this exon. This variant is not present in population databases (gnomAD no frequency). This variant has not been reported in the literature in individuals affected with POLE-related conditions. An algorithm developed to predict the effect of missense changes on protein structure and function (PolyPhen-2) suggests that this variant is likely to be disruptive. Variants that disrupt the consensus splice site are a relatively common cause of aberrant splicing (PMID: 17576681, 9536098). In summary, the available evidence is currently insufficient to determine the role of this variant in disease. Therefore, it has been classified as a Variant of Uncertain Significance.

Literature cited by the submitters: PubMed 17576681; PubMed 9536098.